The following is an entry in ClinVar:

NM_001130144.3(LTBP3):c.772C>A (p.His258Asn)

Gene: LTBP3 (latent transforming growth factor beta binding protein 3; minus strand). Cytogenetic location: 11q13.1.
Variant type: single nucleotide variant.
Coding change: c.772C>A on transcript NM_001130144.3 (MANE Select); coding-DNA position 772, C replaced by A.
Protein change: p.His258Asn; replaces histidine 258 with asparagine.
Molecular consequence: missense variant.
Genome position (GRCh38, 1-based): chr11:65,553,793, G>T on the plus strand (C>A on the coding strand, the complement: LTBP3 is on the minus strand). VCF-style: chr11-65553793-G-T. GRCh37 (hg19) VCF-style: chr11-65321264-G-T.
Other names: c.421C>A, p.His141Asn (NM_001164266.1); c.772C>A, p.His258Asn (NM_021070.4); short protein forms H258N, H141N.
Identifiers: ClinVar variation 1760342 (VCV001760342.2), dbSNP rs1366731018, ClinGen allele CA381275800.

ClinVar aggregate classification (germline): Uncertain significance (1 of 4 stars; one submission).

Conditions:
Inborn genetic diseases. Identifiers: MedGen C0950123, MeSH D030342.

Submission:

Ambry Genetics
Classification: Uncertain significance for Inborn genetic diseases. Last evaluated: 2022-02-08. Review status: criteria provided, single submitter. Criteria: Ambry Variant Classification Scheme 2023. Collection method: clinical testing. Allele origin: germline.
Comment: The p.H258N variant (also known as c.772C>A), located in coding exon 3 of the LTBP3 gene, results from a C to A substitution at nucleotide position 772. The histidine at codon 258 is replaced by asparagine, an amino acid with similar properties. This amino acid position is conserved. In addition, the in silico prediction for this alteration is inconclusive. Since supporting evidence is limited at this time, the clinical significance of this alteration remains unclear.